The following is an entry in ClinVar:

NM_020778.5(ALPK3):c.3979G>A (p.Gly1327Arg)

Gene: ALPK3 (alpha kinase 3; plus strand). Cytogenetic location: 15q25.3.
Variant type: single nucleotide variant.
Coding change: c.3979G>A on transcript NM_020778.5 (MANE Select); coding-DNA position 3979, G replaced by A.
Protein change: p.Gly1327Arg; replaces glycine 1327 with arginine.
Molecular consequence: missense variant.
Genome position (GRCh38, 1-based): chr15:84,859,789, G>A. VCF-style: chr15-84859789-G-A. GRCh37 (hg19) VCF-style: chr15-85403020-G-A.
Other names: short protein forms G1327R.
Identifiers: ClinVar variation 3532993 (VCV003532993.1).

ClinVar aggregate classification (germline): Uncertain significance (1 of 4 stars; one submission).

Conditions:
Cardiovascular phenotype. Identifiers: MedGen CN230736.

gnomAD v4.1: 2 of 1,612,628 alleles (0.00012%); highest among the groups gnomAD compares: African/African-American, 0.0013%; no homozygotes.

Submission:

Ambry Genetics
Classification: Uncertain significance for Cardiovascular phenotype. Last evaluated: 2024-08-19. Review status: criteria provided, single submitter. Criteria: Ambry Variant Classification Scheme 2023. Collection method: clinical testing. Allele origin: germline.
Comment: The p.G1529R variant (also known as c.4585G>A), located in coding exon 8 of the ALPK3 gene, results from a G to A substitution at nucleotide position 4585. The glycine at codon 1529 is replaced by arginine, an amino acid with dissimilar properties. This amino acid position is conserved. In addition, this alteration is predicted to be tolerated by in silico analysis. Based on the available evidence, the clinical significance of this variant remains unclear.